The following is an entry in ClinVar:

ClinVar aggregate classification (germline): Uncertain significance (1 of 4 stars; one submission).

Conditions:
Emery-Dreifuss muscular dystrophy 5, autosomal dominant (EDMD5). Also called: EMERY-DREIFUSS MUSCULAR DYSTROPHY 5. Identifiers: Orphanet 261, MedGen C2751805, MONDO:0013072, OMIM 612999.

gnomAD v4.1: 3 of 1,614,130 alleles (0.00019%); highest among the groups gnomAD compares: Admixed American, 0.0033%; no homozygotes.

Submission:

Labcorp Genetics (formerly Invitae), Labcorp
Classification: Uncertain significance for Emery-Dreifuss muscular dystrophy 5, autosomal dominant. Last evaluated: 2026-01-31. Review status: criteria provided, single submitter. Criteria: Invitae Variant Classification Sherloc (09022015). Collection method: clinical testing. Allele origin: germline.
Comment: This sequence change replaces aspartic acid, which is acidic and polar, with asparagine, which is neutral and polar, at codon 6807 of the SYNE2 protein (p.Asp6807Asn). This variant is present in population databases (rs753685924, gnomAD 0.006%). This variant has not been reported in the literature in individuals affected with SYNE2-related conditions. An algorithm developed to predict the effect of missense changes on protein structure and function (PolyPhen-2) suggests that this variant is likely to be tolerated. In summary, the available evidence is currently insufficient to determine the role of this variant in disease. Therefore, it has been classified as a Variant of Uncertain Significance.

NM_182914.3(SYNE2):c.20419G>A (p.Asp6807Asn)

Gene: SYNE2 (spectrin repeat containing nuclear envelope protein 2; plus strand). Cytogenetic location: 14q23.2.
Variant type: single nucleotide variant.
Coding change: c.20419G>A on transcript NM_182914.3 (MANE Select); coding-DNA position 20419, G replaced by A.
Protein change: p.Asp6807Asn; replaces aspartic acid 6807 with asparagine.
Molecular consequence: missense variant.
Genome position (GRCh38, 1-based): chr14:64,224,497, G>A. VCF-style: chr14-64224497-G-A. GRCh37 (hg19) VCF-style: chr14-64691215-G-A.
Other names: c.20350G>A, p.Asp6784Asn (NM_015180.6); c.985G>A, p.Asp329Asn (NM_182910.2); c.1363G>A, p.Asp455Asn (NM_182913.4); short protein forms D329N, D6807N, D455N, D6784N.
Identifiers: ClinVar variation 4701702 (VCV004701702.1).
Genomic context (GRCh38, chr14:64,224,497, plus strand): 5'-CAACCTTTGGGGTCTGAATTTCAGAACCCAGCCTCACCCCTGCCCAGCTTCGACGAGGTA[G>A]ACTCGGGGGACCAGCCTCCTGCAACATCCGTGCCAGCTCCCCGAGCAAAGGTAAGAAGCC-3'
Protein context (NP_878918.2, residues 6797-6817): ASPLPSFDEV[Asp6807Asn]SGDQPPATSV